The following is an entry in ClinVar:

ClinVar aggregate classification (germline): Uncertain significance (1 of 4 stars; one submission).

Allele frequency attached by ClinVar (database versions not stated): ExAC 0.00001; gnomAD 0.00002; TOPMed 0.00002; ESP Exome Variant Server 0.00008.
gnomAD v4.1: 4 of 1,614,062 alleles (0.00025%); highest among the groups gnomAD compares: African/African-American, 0.0053%; no homozygotes.

Submission:

Labcorp Genetics (formerly Invitae), Labcorp
Classification: Uncertain significance. Last evaluated: 2022-01-13. Review status: criteria provided, single submitter. Criteria: Invitae Variant Classification Sherloc (09022015). Collection method: clinical testing. Allele origin: germline.
Comment: This sequence change replaces proline, which is neutral and non-polar, with alanine, which is neutral and non-polar, at codon 338 of the RNF168 protein (p.Pro338Ala). This variant is present in population databases (rs139243046, gnomAD 0.01%). This variant has not been reported in the literature in individuals affected with RNF168-related conditions. Algorithms developed to predict the effect of missense changes on protein structure and function output the following: SIFT: "Tolerated"; PolyPhen-2: "Benign"; Align-GVGD: "Class C0". The alanine amino acid residue is found in multiple mammalian species, which suggests that this missense change does not adversely affect protein function. In summary, the available evidence is currently insufficient to determine the role of this variant in disease. Therefore, it has been classified as a Variant of Uncertain Significance.

NM_152617.4(RNF168):c.1012C>G (p.Pro338Ala)

Gene: RNF168 (ring finger protein 168; minus strand). Cytogenetic location: 3q29.
Variant type: single nucleotide variant.
Coding change: c.1012C>G on transcript NM_152617.4 (MANE Select); coding-DNA position 1012, C replaced by G.
Protein change: p.Pro338Ala; replaces proline 338 with alanine.
Molecular consequence: missense variant.
Genome position (GRCh38, 1-based): chr3:196,472,523, G>C on the plus strand (C>G on the coding strand, the complement: RNF168 is on the minus strand). VCF-style: chr3-196472523-G-C. GRCh37 (hg19) VCF-style: chr3-196199394-G-C.
Other names: short protein forms P338A.
Identifiers: ClinVar variation 2187559 (VCV002187559.1), dbSNP rs139243046, ClinGen allele CA2780753.